The following is an entry in ClinVar:

ClinVar aggregate classification (germline): Uncertain significance. Review status: criteria provided, multiple submitters, no conflicts (2 of 4 stars). 2 submissions from 2 submitters: Uncertain significance (2). Last evaluated 2025-05-24.

Conditions:
Cardiovascular phenotype. Identifiers: MedGen CN230736.
Primary dilated cardiomyopathy (DCM). Also called: Dilated Cardiomyopathy. Identifiers: Orphanet 217604, MedGen C0007193, MeSH D002311, MONDO:0005021, HP:0001644. Inheritance: Various modes of inheritance.

Allele frequency attached by ClinVar (database versions not stated): TOPMed 0.00001.
gnomAD v4.1: 73 of 1,487,244 alleles (0.0049%); highest among the groups gnomAD compares: Non-Finnish European, 0.0061%; no homozygotes.

Submissions (2):

Ambry Genetics
Classification: Uncertain significance for Cardiovascular phenotype. Last evaluated: 2025-05-24. Review status: criteria provided, single submitter. Criteria: Ambry Variant Classification Scheme 2023. Collection method: clinical testing. Allele origin: germline.
Comment: The p.V26A variant (also known as c.77T>C), located in coding exon 1 of the TXNRD2 gene, results from a T to C substitution at nucleotide position 77. The valine at codon 26 is replaced by alanine, an amino acid with similar properties. This amino acid position is conserved. In addition, this alteration is predicted to be tolerated by in silico analysis. Since supporting evidence is limited at this time, the clinical significance of this alteration remains unclear.

Labcorp Genetics (formerly Invitae), Labcorp
Classification: Uncertain significance for Primary dilated cardiomyopathy. Last evaluated: 2021-11-18. Review status: criteria provided, single submitter. Criteria: Invitae Variant Classification Sherloc (09022015). Collection method: clinical testing. Allele origin: germline.
Comment: This sequence change replaces valine, which is neutral and non-polar, with alanine, which is neutral and non-polar, at codon 26 of the TXNRD2 protein (p.Val26Ala). In summary, the available evidence is currently insufficient to determine the role of this variant in disease. Therefore, it has been classified as a Variant of Uncertain Significance. Algorithms developed to predict the effect of missense changes on protein structure and function (SIFT, PolyPhen-2, Align-GVGD) all suggest that this variant is likely to be tolerated. This variant has not been reported in the literature in individuals affected with TXNRD2-related conditions. The frequency data for this variant in the population databases is considered unreliable, as metrics indicate poor data quality at this position in the gnomAD database.

NM_006440.5(TXNRD2):c.77T>C (p.Val26Ala)

Genes: TXNRD2 (thioredoxin reductase 2; minus strand), LOC130066960 (ATAC-STARR-seq lymphoblastoid silent region 13467; plus strand). Cytogenetic location: 22q11.21.
Variant type: single nucleotide variant.
Coding change: c.77T>C on transcript NM_006440.5 (MANE Select); coding-DNA position 77, T replaced by C.
Protein change: p.Val26Ala; replaces valine 26 with alanine.
Molecular consequence: missense variant. On other transcripts: non-coding transcript variant (1).
Genome position (GRCh38, 1-based): chr22:19,941,727, A>G on the plus strand (T>C on the coding strand, the complement: TXNRD2 is on the minus strand). VCF-style: chr22-19941727-A-G. GRCh37 (hg19) VCF-style: chr22-19929250-A-G.
Other names: c.77T>C, p.Val26Ala (NM_001282512.3, NM_001352300.2); short protein forms V26A.
Identifiers: ClinVar variation 1450754 (VCV001450754.9), dbSNP rs925920723, ClinGen allele CA322111628.